The following is an entry in ClinVar:

ClinVar aggregate classification (germline): Uncertain significance. Review status: criteria provided, multiple submitters, no conflicts (2 of 4 stars). 2 submissions from 2 submitters: Uncertain significance (2). Last evaluated 2022-10-27.

Conditions:
Werner syndrome (WRN). Identifiers: Orphanet 902, MedGen C0043119, MONDO:0010196, OMIM 277700.

Allele frequency attached by ClinVar (database versions not stated): ExAC 0.00003; gnomAD 0.00003; TOPMed 0.00007.
gnomAD v4.1: 86 of 1,613,936 alleles (0.0053%); highest among the groups gnomAD compares: Non-Finnish European, 0.0069%; no homozygotes.

Submissions (2):

Labcorp Genetics (formerly Invitae), Labcorp
Classification: Uncertain significance for Werner syndrome. Last evaluated: 2022-10-27. Review status: criteria provided, single submitter. Criteria: Invitae Variant Classification Sherloc (09022015). Collection method: clinical testing. Allele origin: germline.
Comment: This sequence change replaces cysteine, which is neutral and slightly polar, with glycine, which is neutral and non-polar, at codon 791 of the WRN protein (p.Cys791Gly). This variant is present in population databases (rs200169079, gnomAD 0.01%). This variant has not been reported in the literature in individuals affected with WRN-related conditions. ClinVar contains an entry for this variant (Variation ID: 528106). Algorithms developed to predict the effect of missense changes on protein structure and function are either unavailable or do not agree on the potential impact of this missense change (SIFT: "Not Available"; PolyPhen-2: "Probably Damaging"; Align-GVGD: "Not Available"). In summary, the available evidence is currently insufficient to determine the role of this variant in disease. Therefore, it has been classified as a Variant of Uncertain Significance.

Genetic Services Laboratory, University of Chicago
Classification: Uncertain significance. Last evaluated: 2021-12-17. Review status: criteria provided, single submitter. Criteria: ACMG Guidelines, 2015. Collection method: clinical testing. Allele origin: germline. Affected: no.
Comment: DNA sequence analysis of the WRN gene demonstrated a sequence change, c.2371T>G, in exon 20 that results in an amino acid change, p.Cys791Gly. This sequence change has been described in the gnomAD database with a frequency of 0.011% in the non-Finnish European subpopulation (dbSNP rs200169079). The p.Cys791Gly change affects a highly conserved amino acid residue located in a domain of the WRN protein that is known to be functional. In-silico pathogenicity prediction tools (SIFT, PolyPhen2, Align GVGD, REVEL) provide contradictory results for the p.Cys791Gly substitution. This sequence change does not appear to have been previously described in individuals with WRN-related disorders. Due to insufficient evidences and the lack of functional studies, the clinical significance of the p.Cys791Gly change remains unknown at this time.

NM_000553.6(WRN):c.2371T>G (p.Cys791Gly)

Gene: WRN (WRN RecQ like helicase; plus strand). Cytogenetic location: 8p12.
Variant type: single nucleotide variant.
Coding change: c.2371T>G on transcript NM_000553.6 (MANE Select); coding-DNA position 2371, T replaced by G.
Protein change: p.Cys791Gly; replaces cysteine 791 with glycine.
Molecular consequence: missense variant.
Genome position (GRCh38, 1-based): chr8:31,116,451, T>G. VCF-style: chr8-31116451-T-G. GRCh37 (hg19) VCF-style: chr8-30973967-T-G.
Other names: short protein forms C791G.
Identifiers: ClinVar variation 528106 (VCV000528106.12), dbSNP rs200169079, ClinGen allele CA4704730.